The following is an entry in ClinVar:

NM_006736.6(DNAJB2):c.783C>T (p.Tyr261=)

Gene: DNAJB2 (DnaJ heat shock protein family (Hsp40) member B2; plus strand). Cytogenetic location: 2q35.
Variant type: single nucleotide variant.
Coding change: c.783C>T on transcript NM_006736.6 (MANE Select); coding-DNA position 783, C replaced by T.
Protein change: p.Tyr261=; no amino-acid change (tyrosine 261 retained).
Molecular consequence: synonymous variant.
Genome position (GRCh38, 1-based): chr2:219,284,795, C>T. VCF-style: chr2-219284795-C-T. GRCh37 (hg19) VCF-style: chr2-220149517-C-T.
Other names: c.783C>T (NM_006736.5); c.783C>T, p.Tyr261= (NM_001039550.2).
Identifiers: ClinVar variation 1572599 (VCV001572599.33), dbSNP rs762593270, ClinGen allele CA2123102.

ClinVar aggregate classification (germline): Likely benign. Review status: criteria provided, multiple submitters, no conflicts (2 of 4 stars). 3 submissions from 3 submitters: Likely benign (3). Last evaluated 2025-06-23.

Conditions:
DNAJB2-related disorder. Also called: DNAJB2-related condition.
Neuronopathy, distal hereditary motor, autosomal recessive 5. Also called: NEUROPATHY, DISTAL HEREDITARY MOTOR, AUTOSOMAL RECESSIVE 5; Spinal muscular atrophy, distal, autosomal recessive, 5; Young adult-onset distal hereditary motor neuropathy. Identifiers: Orphanet 314485, Orphanet 443950, MedGen C4749918, MONDO:0013947, OMIM 614881.

Allele frequency attached by ClinVar (database versions not stated): gnomAD exomes 0.00001; ExAC 0.00002; gnomAD 0.00003; TOPMed 0.00003.
gnomAD v4.1: 12 of 1,612,982 alleles (0.00074%); highest among the groups gnomAD compares: African/African-American, 0.008%; no homozygotes.

Submissions (3):

PreventionGenetics, part of Exact Sciences
Classification: Likely benign for DNAJB2-related condition. Last evaluated: 2025-06-23. Review status: criteria provided, single submitter. Criteria: ACMG Guidelines, 2015. Collection method: clinical testing. Allele origin: germline.
Comment: This variant is classified as likely benign based on ACMG/AMP sequence variant interpretation guidelines (Richards et al. 2015 PMID: 25741868, with internal and published modifications).

Labcorp Genetics (formerly Invitae), Labcorp
Classification: Likely benign for Neuronopathy, distal hereditary motor, autosomal recessive 5. Last evaluated: 2024-09-02. Review status: criteria provided, single submitter. Criteria: Invitae Variant Classification Sherloc (09022015). Collection method: clinical testing. Allele origin: germline.

CeGaT Center for Human Genetics Tuebingen
Classification: Likely benign. Last evaluated: 2023-05-01. Review status: criteria provided, single submitter. Criteria: CeGaT Center For Human Genetics Tuebingen Variant Classification Criteria Version 2. Collection method: clinical testing. Allele origin: germline. Affected: yes. Observed: 1 variant allele.
Comment: DNAJB2: BP4, BP7